The following is an entry in ClinVar:

NM_004104.5(FASN):c.7048-3C>T

Gene: FASN (fatty acid synthase; minus strand). Cytogenetic location: 17q25.3.
Variant type: single nucleotide variant.
Coding change: c.7048-3C>T on transcript NM_004104.5 (MANE Select); 3 bases into the intron before coding-DNA position 7048, C replaced by T.
Molecular consequence: intron variant.
Genome position (GRCh38, 1-based): chr17:82,080,241, G>A on the plus strand (C>T on the coding strand, the complement: FASN is on the minus strand). VCF-style: chr17-82080241-G-A. GRCh37 (hg19) VCF-style: chr17-80038117-G-A.
Identifiers: ClinVar variation 1378176 (VCV001378176.6), dbSNP rs774665189, ClinGen allele CA8851117.
Genomic context (GRCh38, chr17:82,080,241, plus strand): 5'-ATATGGCCTCCGTCTCAGCCTCAGCCTCACAGCCTGGGGTCAGCTTTGCCCGGTAGCTCT[G>A]AGAGGAAGGAGGGACTGCTGAGCAGATGGAAGGGGCGGGGCCTCCTAAGCGACGGTCCCC-3'

ClinVar aggregate classification (germline): Uncertain significance (1 of 4 stars; one submission).

Conditions:
Epileptic encephalopathy. Identifiers: MedGen C0543888, HP:0200134.

Allele frequency attached by ClinVar (database versions not stated): ExAC 0.00007.
gnomAD v4.1: 17 of 1,613,046 alleles (0.0011%); highest among the groups gnomAD compares: South Asian, 0.016%; no homozygotes.

Submission:

Labcorp Genetics (formerly Invitae), Labcorp
Classification: Uncertain significance for Epileptic encephalopathy. Last evaluated: 2023-08-04. Review status: criteria provided, single submitter. Criteria: Invitae Variant Classification Sherloc (09022015). Collection method: clinical testing. Allele origin: germline.
Comment: This sequence change falls in intron 40 of the FASN gene. It does not directly change the encoded amino acid sequence of the FASN protein. It affects a nucleotide within the consensus splice site. This variant is present in population databases (rs774665189, gnomAD 0.03%). This variant has not been reported in the literature in individuals affected with FASN-related conditions. ClinVar contains an entry for this variant (Variation ID: 1378176). Variants that disrupt the consensus splice site are a relatively common cause of aberrant splicing (PMID: 17576681, 9536098). Algorithms developed to predict the effect of sequence changes on RNA splicing suggest that this variant may create or strengthen a splice site. In summary, the available evidence is currently insufficient to determine the role of this variant in disease. Therefore, it has been classified as a Variant of Uncertain Significance.

Literature cited by the submitters: PubMed 17576681; PubMed 9536098.